The following is an entry in ClinVar:

ClinVar aggregate classification (germline): Likely benign. Review status: criteria provided, multiple submitters, no conflicts (2 of 4 stars). 4 submissions from 4 submitters: Likely benign (4). Last evaluated 2025-11-03.

Conditions:
Hereditary cancer-predisposing syndrome. Also called: Tumor predisposition; Hereditary neoplastic syndrome; Neoplastic Syndromes, Hereditary; Hereditary Cancer Syndrome. Identifiers: Orphanet 140162, MedGen C0027672, MeSH D009386, MONDO:0015356.
Hereditary breast ovarian cancer syndrome. Also called: Hereditary breast and/or ovarian cancer syndrome; Hereditary breast and ovarian cancer syndrome; Hereditary breast and ovarian cancer syndrome (HBOC); Hereditary breast and ovarian cancer; BRCA1- and BRCA2-Associated Hereditary Breast and Ovarian Cancer; Breast and ovarian cancer. Identifiers: Orphanet 145, MedGen C0677776, MeSH D061325, MONDO:0003582. Disease mechanism: loss of function.

gnomAD v4.1: 1 of 1,613,936 alleles (0.000062%); highest among the groups gnomAD compares: Non-Finnish European, 0.000085%; no homozygotes.

Submissions (4):

Color Diagnostics, LLC DBA Color Health
Classification: Likely benign for Hereditary cancer-predisposing syndrome. Last evaluated: 2025-11-03. Review status: criteria provided, single submitter. Criteria: ACMG Guidelines, 2015. Collection method: clinical testing. Allele origin: germline.

Labcorp Genetics (formerly Invitae), Labcorp
Classification: Likely benign for Hereditary breast ovarian cancer syndrome. Last evaluated: 2023-08-23. Review status: criteria provided, single submitter. Criteria: Invitae Variant Classification Sherloc (09022015). Collection method: clinical testing. Allele origin: germline.

Ambry Genetics
Classification: Likely benign for Hereditary cancer-predisposing syndrome. Last evaluated: 2017-08-03. Review status: criteria provided, single submitter. Criteria: Ambry Variant Classification Scheme 2023. Collection method: clinical testing. Allele origin: germline.

GeneDx
Classification: Likely benign. Last evaluated: 2016-04-07. Review status: criteria provided, single submitter. Criteria: GeneDx Variant Classification (06012015). Collection method: clinical testing. Allele origin: germline. Affected: yes.
Comment: This variant is considered likely benign or benign based on one or more of the following criteria: it is a conservative change, it occurs at a poorly conserved position in the protein, it is predicted to be benign by multiple in silico algorithms, and/or has population frequency not consistent with disease.

NM_000059.4(BRCA2):c.5907C>A (p.Val1969=)

Gene: BRCA2 (BRCA2 DNA repair associated; plus strand). Cytogenetic location: 13q13.1.
Variant type: single nucleotide variant.
Coding change: c.5907C>A on transcript NM_000059.4 (MANE Select); coding-DNA position 5907, C replaced by A.
Protein change: p.Val1969=; no amino-acid change (valine 1969 retained).
Molecular consequence: synonymous variant.
Genome position (GRCh38, 1-based): chr13:32,340,262, C>A. VCF-style: chr13-32340262-C-A. GRCh37 (hg19) VCF-style: chr13-32914399-C-A.
Identifiers: ClinVar variation 380539 (VCV000380539.16), dbSNP rs786201413, ClinGen allele CA16606793.
Genomic context (GRCh38, chr13:32,340,262, plus strand): 5'-TGTTAGTTTGGAAACTTCAGATATATGTAAATGTAGTATAGGGAAGCTTCATAAGTCAGT[C>A]TCATCTGCAAATACTTGTGGGATTTTTAGCACAGCAAGTGGAAAATCTGTCCAGGTATCA-3'
Protein context (NP_000050.3, residues 1959-1979): KCSIGKLHKS[Val1969=]SSANTCGIFS